The following is an entry in ClinVar:

NM_033225.6(CSMD1):c.6753C>T (p.His2251=)

Gene: CSMD1 (CUB and Sushi multiple domains 1; minus strand). Cytogenetic location: 8p23.2.
Variant type: single nucleotide variant.
Coding change: c.6753C>T on transcript NM_033225.6 (MANE Select); coding-DNA position 6753, C replaced by T.
Protein change: p.His2251=; no amino-acid change (histidine 2251 retained).
Molecular consequence: synonymous variant.
Genome position (GRCh38, 1-based): chr8:3,108,604, G>A on the plus strand (C>T on the coding strand, the complement: CSMD1 is on the minus strand). VCF-style: chr8-3108604-G-A. GRCh37 (hg19) VCF-style: chr8-2966126-G-A.
Identifiers: ClinVar variation 776279 (VCV000776279.7), dbSNP rs34074837, ClinGen allele CA4606327.
Genomic context (GRCh38, chr8:3,108,604, plus strand): 5'-CTGCAGGAAACACCACATGGAATTCTCAGTCTTAACTAACGGAGTGAAAATCAACTGACC[G>A]TGGAAATTGAGGACAAAGAAGCCTCCATTTGAAAAGTCGCTGTGGAACTTGAGCAGGACT-3'
Protein context (NP_150094.5, residues 2241-2261): SNGGFFVLNF[His2251=]AFQLKKCQPP

ClinVar aggregate classification (germline): Benign. Review status: criteria provided, multiple submitters, no conflicts (2 of 4 stars). 3 submissions from 3 submitters: Benign (2). 1 of the submissions does not count toward it. Last evaluated 2019-12-31.

Conditions:
CSMD1-related disorder. Also called: CSMD1-related condition.

Allele frequency attached by ClinVar (database versions not stated): gnomAD exomes 0.00603; ExAC 0.00723; 1000 Genomes Project 0.02017; 1000 Genomes Project 30x 0.02186; gnomAD 0.02196; ESP Exome Variant Server 0.02228; TOPMed 0.02449.
gnomAD v4.1: 7,220 of 1,613,460 alleles (0.45%); highest among the groups gnomAD compares: African/African-American, 7.5%; 222 homozygotes.

Submissions (3):

Labcorp Genetics (formerly Invitae), Labcorp
Classification: Benign. Last evaluated: 2019-12-31. Review status: criteria provided, single submitter. Criteria: Invitae Variant Classification Sherloc (09022015). Collection method: clinical testing. Allele origin: germline.

Breakthrough Genomics
Classification: Benign. Review status: criteria provided, single submitter. Criteria: ACMG Guidelines, 2015. Collection method: not provided. Allele origin: germline. Inheritance: Unknown mechanism. Affected: yes.

PreventionGenetics, part of Exact Sciences
Classification: Benign for CSMD1-related condition. Last evaluated: 2020-01-20. Review status: no assertion criteria provided. Collection method: clinical testing. Allele origin: germline. Not counted in ClinVar's aggregate classification.
Comment: This variant is classified as benign based on ACMG/AMP sequence variant interpretation guidelines (Richards et al. 2015 PMID: 25741868, with internal and published modifications).